The following is an entry in ClinVar:

ClinVar aggregate classification (germline): Uncertain significance (1 of 4 stars; one submission).

Submission:

GeneDx
Classification: Uncertain significance. Last evaluated: 2026-03-31. Review status: criteria provided, single submitter. Criteria: GeneDx Variant Classification Process June 2021. Collection method: clinical testing. Allele origin: germline.
Comment: Not observed at significant frequency in large population cohorts (gnomAD); Has not been previously published as pathogenic or benign to our knowledge; In silico analysis does not support a benign or deleterious effect of this variant on protein structure/function

NM_019066.5(MAGEL2):c.2399C>G (p.Ser800Cys)

Gene: MAGEL2 (MAGE family member L2; minus strand). Cytogenetic location: 15q11.2.
Variant type: single nucleotide variant.
Coding change: c.2399C>G on transcript NM_019066.5 (MANE Select); coding-DNA position 2399, C replaced by G.
Protein change: p.Ser800Cys; replaces serine 800 with cysteine.
Molecular consequence: missense variant.
Genome position (GRCh38, 1-based): chr15:23,645,344, G>C on the plus strand (C>G on the coding strand, the complement: MAGEL2 is on the minus strand). VCF-style: chr15-23645344-G-C. GRCh37 (hg19) VCF-style: chr15-23890491-G-C.
Other names: short protein forms S800C.
Identifiers: ClinVar variation 5016865 (VCV005016865.1).
Genomic context (GRCh38, chr15:23,645,344, plus strand): 5'-GCATATGGCAGTGACTTTGGGGTCTCTGAGGCAGCAGAGGGGCCTTTAAAGGCATTCAGA[G>C]AGGCAGGCTGAAACTGGGAGGTAGCTGGGAAGACACTTGAGGAGGGAGCAAAGGTCTCCG-3'
Protein context (NP_061939.3, residues 790-810): FPATSQFQPA[Ser800Cys]LNAFKGPSAA